The following is an entry in ClinVar:

NM_032447.5(FBN3):c.7411C>T (p.Arg2471Cys)

Gene: FBN3 (fibrillin 3; minus strand). Cytogenetic location: 19p13.2.
Variant type: single nucleotide variant.
Coding change: c.7411C>T on transcript NM_032447.5 (MANE Select); coding-DNA position 7411, C replaced by T.
Protein change: p.Arg2471Cys; replaces arginine 2471 with cysteine.
Molecular consequence: missense variant.
Genome position (GRCh38, 1-based): chr19:8,081,045, G>A on the plus strand (C>T on the coding strand, the complement: FBN3 is on the minus strand). VCF-style: chr19-8081045-G-A. GRCh37 (hg19) VCF-style: chr19-8145929-G-A.
Other names: c.7411C>T, p.Arg2471Cys (NM_001321431.2); c.7411C>T (NM_001321431.1); short protein forms R2471C.
Identifiers: ClinVar variation 719787 (VCV000719787.10), dbSNP rs147683023, ClinGen allele CA9150894.

ClinVar aggregate classification (germline): Likely benign. Review status: criteria provided, single submitter (1 of 4 stars). 2 submissions from 2 submitters: Likely benign (1). 1 of the submissions does not count toward it. Last evaluated 2026-01-24.

Conditions:
FBN3-related disorder. Also called: FBN3-related condition.

Allele frequency attached by ClinVar (database versions not stated): gnomAD exomes 0.00021 and 0.00050; ExAC 0.00051; 1000 Genomes Project 30x 0.00078; 1000 Genomes Project 0.00080; ESP Exome Variant Server 0.00146; gnomAD 0.00189 and 0.00202; TOPMed 0.00212.
gnomAD v4.1: 601 of 1,613,398 alleles (0.037%); highest among the groups gnomAD compares: African/African-American, 0.67%; 4 homozygotes.

Submissions (2):

Labcorp Genetics (formerly Invitae), Labcorp
Classification: Likely benign. Last evaluated: 2026-01-24. Review status: criteria provided, single submitter. Criteria: Invitae Variant Classification Sherloc (09022015). Collection method: clinical testing. Allele origin: germline.

PreventionGenetics, part of Exact Sciences
Classification: Benign for FBN3-related condition. Last evaluated: 2019-08-06. Review status: no assertion criteria provided. Collection method: clinical testing. Allele origin: germline. Not counted in ClinVar's aggregate classification.
Comment: This variant is classified as benign based on ACMG/AMP sequence variant interpretation guidelines (Richards et al. 2015 PMID: 25741868, with internal and published modifications).